The following is an entry in ClinVar:

ClinVar aggregate classification (germline): Uncertain significance. Review status: criteria provided, multiple submitters, no conflicts (2 of 4 stars). 2 submissions from 2 submitters: Uncertain significance (2). Last evaluated 2026-02-14.

Conditions:
Hereditary cancer-predisposing syndrome. Also called: Neoplastic Syndromes, Hereditary; Hereditary Cancer Syndrome; Hereditary neoplastic syndrome; Tumor predisposition. Identifiers: Orphanet 140162, MedGen C0027672, MeSH D009386, MONDO:0015356.
Renal cell carcinoma. Identifiers: Orphanet 217071, MedGen C0007134, MeSH D002292, MONDO:0005086, HP:0005584.

gnomAD v4.1: 3 of 1,614,190 alleles (0.00019%); highest among the groups gnomAD compares: Admixed American, 0.005%; no homozygotes.

Submissions (2):

Ambry Genetics
Classification: Uncertain significance for Hereditary cancer-predisposing syndrome. Last evaluated: 2026-02-14. Review status: criteria provided, single submitter. Criteria: Ambry Variant Classification Scheme 2023. Collection method: clinical testing. Allele origin: germline.
Comment: The p.V1352A variant (also known as c.4055T>C), located in coding exon 20 of the MET gene, results from a T to C substitution at nucleotide position 4055. The valine at codon 1352 is replaced by alanine, an amino acid with similar properties. This amino acid position is conserved. In addition, the in silico prediction for this alteration is inconclusive. Based on the available evidence, the clinical significance of this variant remains unclear.

Labcorp Genetics (formerly Invitae), Labcorp
Classification: Uncertain significance for Renal cell carcinoma. Last evaluated: 2024-05-15. Review status: criteria provided, single submitter. Criteria: Invitae Variant Classification Sherloc (09022015). Collection method: clinical testing. Allele origin: germline.
Comment: This sequence change replaces valine, which is neutral and non-polar, with alanine, which is neutral and non-polar, at codon 1352 of the MET protein (p.Val1352Ala). This variant is present in population databases (rs778282062, gnomAD 0.006%). This variant has not been reported in the literature in individuals affected with MET-related conditions. Advanced modeling of protein sequence and biophysical properties (such as structural, functional, and spatial information, amino acid conservation, physicochemical variation, residue mobility, and thermodynamic stability) performed at Invitae indicates that this missense variant is not expected to disrupt MET protein function with a negative predictive value of 80%. In summary, the available evidence is currently insufficient to determine the role of this variant in disease. Therefore, it has been classified as a Variant of Uncertain Significance.

NM_000245.4(MET):c.4001T>C (p.Val1334Ala)

Gene: MET (MET proto-oncogene, receptor tyrosine kinase; plus strand). Cytogenetic location: 7q31.2.
Variant type: single nucleotide variant.
Coding change: c.4001T>C on transcript NM_000245.4 (MANE Select); coding-DNA position 4001, T replaced by C.
Protein change: p.Val1334Ala; replaces valine 1334 with alanine.
Molecular consequence: missense variant.
Genome position (GRCh38, 1-based): chr7:116,795,952, T>C. VCF-style: chr7-116795952-T-C. GRCh37 (hg19) VCF-style: chr7-116436006-T-C.
Other names: c.4055T>C, p.Val1352Ala (NM_001127500.3); c.2711T>C, p.Val904Ala (NM_001324402.2); short protein forms V1334A, V1352A, V904A.
Identifiers: ClinVar variation 3605410 (VCV003605410.3).
Genomic context (GRCh38, chr7:116,795,952, plus strand): 5'-AAGTAATGCTAAAATGCTGGCACCCTAAAGCCGAAATGCGCCCATCCTTTTCTGAACTGG[T>C]GTCCCGGATATCAGCGATCTTCTCTACTTTCATTGGGGAGCACTATGTCCATGTGAACGC-3'
Protein context (NP_000236.2, residues 1324-1344): AEMRPSFSEL[Val1334Ala]SRISAIFSTF